The following is an entry in ClinVar:

ClinVar aggregate classification (germline): Uncertain significance (1 of 4 stars; one submission).

Submission:

GeneDx
Classification: Uncertain significance. Last evaluated: 2025-07-23. Review status: criteria provided, single submitter. Criteria: GeneDx Variant Classification Process June 2021. Collection method: clinical testing. Allele origin: germline. Affected: yes.
Comment: In silico analysis suggests that this missense variant does not alter protein structure/function; Has not been previously published as pathogenic or benign to our knowledge

NM_000347.5:c.2462A>G

Gene: SPTB (spectrin beta, erythrocytic; minus strand).
Variant type: single nucleotide variant.
Identifiers: ClinVar variation 4686800 (VCV004686800.1).